The following is an entry in ClinVar:

ClinVar aggregate classification (germline): Uncertain significance (1 of 4 stars; one submission).

Conditions:
Cardiovascular phenotype. Identifiers: MedGen CN230736.

gnomAD v4.1: 3 of 1,613,774 alleles (0.00019%); highest among the groups gnomAD compares: Non-Finnish European, 0.00025%; no homozygotes.

Submission:

Ambry Genetics
Classification: Uncertain significance for Cardiovascular phenotype. Last evaluated: 2024-11-17. Review status: criteria provided, single submitter. Criteria: Ambry Variant Classification Scheme 2023. Collection method: clinical testing. Allele origin: germline.
Comment: The p.N75S variant (also known as c.224A>G), located in coding exon 3 of the PRDM5 gene, results from an A to G substitution at nucleotide position 224. The asparagine at codon 75 is replaced by serine, an amino acid with highly similar properties. This amino acid position is conserved. In addition, this alteration is predicted to be tolerated by in silico analysis. Based on the available evidence, the clinical significance of this variant remains unclear.

NM_018699.4(PRDM5):c.224A>G (p.Asn75Ser)

Gene: PRDM5 (PR/SET domain 5; minus strand). Cytogenetic location: 4q27.
Variant type: single nucleotide variant.
Coding change: c.224A>G on transcript NM_018699.4 (MANE Select); coding-DNA position 224, A replaced by G.
Protein change: p.Asn75Ser; replaces asparagine 75 with serine.
Molecular consequence: missense variant.
Genome position (GRCh38, 1-based): chr4:120,853,494, T>C on the plus strand (A>G on the coding strand, the complement: PRDM5 is on the minus strand). VCF-style: chr4-120853494-T-C. GRCh37 (hg19) VCF-style: chr4-121774649-T-C.
Other names: c.224A>G, p.Asn75Ser (NM_001300823.2, NM_001300824.2, NM_001379104.1 and 1 more transcripts); short protein forms N75S.
Identifiers: ClinVar variation 3424735 (VCV003424735.1).